The following is an entry in ClinVar:

ClinVar aggregate classification (germline): Uncertain significance (1 of 4 stars; one submission).

Submission:

Labcorp Genetics (formerly Invitae), Labcorp
Classification: Uncertain significance. Last evaluated: 2022-12-27. Review status: criteria provided, single submitter. Criteria: Invitae Variant Classification Sherloc (09022015). Collection method: clinical testing. Allele origin: germline.
Comment: In summary, the available evidence is currently insufficient to determine the role of this variant in disease. Therefore, it has been classified as a Variant of Uncertain Significance. Algorithms developed to predict the effect of missense changes on protein structure and function are either unavailable or do not agree on the potential impact of this missense change (SIFT: "Tolerated"; PolyPhen-2: "Possibly Damaging"; Align-GVGD: "Class C0"). This variant has not been reported in the literature in individuals affected with PDSS2-related conditions. This variant is not present in population databases (gnomAD no frequency). This sequence change replaces serine, which is neutral and polar, with threonine, which is neutral and polar, at codon 139 of the PDSS2 protein (p.Ser139Thr).

NM_020381.4(PDSS2):c.416G>C (p.Ser139Thr)

Gene: PDSS2 (decaprenyl diphosphate synthase subunit 2; minus strand). Cytogenetic location: 6q21.
Variant type: single nucleotide variant.
Coding change: c.416G>C on transcript NM_020381.4 (MANE Select); coding-DNA position 416, G replaced by C.
Protein change: p.Ser139Thr; replaces serine 139 with threonine.
Molecular consequence: missense variant.
Genome position (GRCh38, 1-based): chr6:107,334,213, C>G on the plus strand (G>C on the coding strand, the complement: PDSS2 is on the minus strand). VCF-style: chr6-107334213-C-G. GRCh37 (hg19) VCF-style: chr6-107655417-C-G.
Other names: short protein forms S139T.
Identifiers: ClinVar variation 2125701 (VCV002125701.4), dbSNP rs2484465334, ClinGen allele CA365323336.
Genomic context (GRCh38, chr6:107,334,213, plus strand): 5'-AAACACGATGTAGAGAGCAATGTCAAAAGACTAAATTCTTCTTACCATGAGTAGATCCCA[C>G]TGACCATGTCATAGTTCTGACATGAAGTGTTCACGCTGCTGGGCCCAGCTGCTTTAGAGA-3'
Protein context (NP_065114.3, residues 129-149): NTSCQNYDMV[Ser139Thr]GIYSCQRSLA